The following is an entry in ClinVar:

ClinVar aggregate classification (germline): Uncertain significance. Review status: criteria provided, multiple submitters, no conflicts (2 of 4 stars). 2 submissions from 2 submitters: Uncertain significance (2). Last evaluated 2026-06-02.

Conditions:
Hereditary cancer-predisposing syndrome. Also called: Neoplastic Syndromes, Hereditary; Tumor predisposition; Hereditary Cancer Syndrome; Hereditary neoplastic syndrome. Identifiers: Orphanet 140162, MedGen C0027672, MeSH D009386, MONDO:0015356.
Rhabdoid tumor predisposition syndrome 2 (RTPS2). Identifiers: Orphanet 231108, Orphanet 69077, MedGen C2750074, MONDO:0013224, OMIM 613325.

gnomAD v4.1: 2 of 1,614,020 alleles (0.00012%); highest among the groups gnomAD compares: Admixed American, 0.0017%; no homozygotes.

Submissions (2):

Ambry Genetics
Classification: Uncertain significance for Hereditary cancer-predisposing syndrome. Last evaluated: 2026-06-02. Review status: criteria provided, single submitter. Criteria: Ambry Variant Classification Scheme 2023. Collection method: clinical testing. Allele origin: germline.
Comment: The p.M98V variant (also known as c.292A>G), located in coding exon 2 of the SMARCA4 gene, results from an A to G substitution at nucleotide position 292. The methionine at codon 98 is replaced by valine, an amino acid with highly similar properties. This amino acid position is well conserved in available vertebrate species. In addition, this alteration is predicted to be tolerated by in silico analysis. Based on the available evidence, the clinical significance of this variant remains unclear.

Labcorp Genetics (formerly Invitae), Labcorp
Classification: Uncertain significance for Rhabdoid tumor predisposition syndrome 2. Last evaluated: 2024-03-06. Review status: criteria provided, single submitter. Criteria: Invitae Variant Classification Sherloc (09022015). Collection method: clinical testing. Allele origin: germline.
Comment: This sequence change replaces methionine, which is neutral and non-polar, with valine, which is neutral and non-polar, at codon 98 of the SMARCA4 protein (p.Met98Val). This variant is not present in population databases (gnomAD no frequency). This variant has not been reported in the literature in individuals affected with SMARCA4-related conditions. ClinVar contains an entry for this variant (Variation ID: 1960547). Advanced modeling of protein sequence and biophysical properties (such as structural, functional, and spatial information, amino acid conservation, physicochemical variation, residue mobility, and thermodynamic stability) performed at Invitae indicates that this missense variant is not expected to disrupt SMARCA4 protein function with a negative predictive value of 95%. In summary, the available evidence is currently insufficient to determine the role of this variant in disease. Therefore, it has been classified as a Variant of Uncertain Significance.

NM_003072.5(SMARCA4):c.292A>G (p.Met98Val)

Gene: SMARCA4 (SWI/SNF related BAF chromatin remodeling complex subunit ATPase 4; plus strand). Cytogenetic location: 19p13.2.
Variant type: single nucleotide variant.
Coding change: c.292A>G on transcript NM_003072.5 (MANE Select); coding-DNA position 292, A replaced by G.
Protein change: p.Met98Val; replaces methionine 98 with valine.
Molecular consequence: missense variant. On other transcripts: non-coding transcript variant (1).
Genome position (GRCh38, 1-based): chr19:10,985,342, A>G. VCF-style: chr19-10985342-A-G. GRCh37 (hg19) VCF-style: chr19-11096018-A-G.
Other names: c.292A>G (NM_001128849.1); c.292A>G, p.Met98Val (NM_001128844.3, NM_001128845.2, NM_001128846.2 and 6 more transcripts); short protein forms M98V.
Identifiers: ClinVar variation 1960547 (VCV001960547.6), dbSNP rs2513970438, ClinGen allele CA404055232.
Genomic context (GRCh38, chr19:10,985,342, plus strand): 5'-TCCATGCATGAGAAGGGCATGTCGGACGACCCGCGCTACAACCAGATGAAAGGAATGGGG[A>G]TGCGGTCAGGGGGCCATGCTGGGATGGGGCCCCCGCCCAGCCCCATGGACCAGCACTCCC-3'
Protein context (NP_003063.2, residues 88-108): PRYNQMKGMG[Met98Val]RSGGHAGMGP